The following is an entry in ClinVar:

NM_000388.4(CASR):c.74G>A (p.Arg25Gln)

Gene: CASR (calcium sensing receptor; plus strand). Cytogenetic location: 3q21.1.
Variant type: single nucleotide variant.
Coding change: c.74G>A on transcript NM_000388.4 (MANE Select); coding-DNA position 74, G replaced by A.
Protein change: p.Arg25Gln; replaces arginine 25 with glutamine.
Molecular consequence: missense variant.
Genome position (GRCh38, 1-based): chr3:122,254,263, G>A. VCF-style: chr3-122254263-G-A. GRCh37 (hg19) VCF-style: chr3-121973110-G-A.
Other names: c.74G>A, p.Arg25Gln (NM_001178065.2); short protein forms R25Q.
Identifiers: ClinVar variation 463954 (VCV000463954.13), dbSNP rs568902441, ClinGen allele CA2569415.

ClinVar aggregate classification (germline): Conflicting classifications of pathogenicity. Review status: criteria provided, conflicting classifications (1 of 4 stars). 4 submissions from 4 submitters: Uncertain significance (3); Likely benign (1). Last evaluated 2025-11-13.

Conditions:
Nephrolithiasis/nephrocalcinosis. Identifiers: MedGen CN580796.
Familial hypocalciuric hypercalcemia (FHH). Also called: Familial benign hypercalcemia. Identifiers: Orphanet 405, MedGen C1809471, MONDO:0018458.
Autosomal dominant hypocalcemia 1 (HYPOC1). Also called: HYPOCALCEMIA, FAMILIAL. Identifiers: MedGen C3715128, MONDO:0011013, OMIM 601198.
Epilepsy, idiopathic generalized, susceptibility to, 8. Identifiers: MedGen C2752062, MONDO:0013032, OMIM 612899.
Neonatal severe primary hyperparathyroidism. Identifiers: Orphanet 417, MedGen C1832615, MONDO:0009397, OMIM 239200.
Familial hypocalciuric hypercalcemia 1. Also called: Hypercalcemia, familial benign type 1. Identifiers: Orphanet 405, Orphanet 93372, MedGen C0342637, MONDO:0007791, OMIM 145980.

Allele frequency attached by ClinVar (database versions not stated): 1000 Genomes Project 30x 0.00031; 1000 Genomes Project 0.00040; gnomAD below 0.00001 and 0.00003; ExAC 0.00002; gnomAD exomes 0.00002.
gnomAD v4.1: 7 of 1,614,018 alleles (0.00043%); highest among the groups gnomAD compares: South Asian, 0.0044%; no homozygotes.

Submissions (4):

Labcorp Genetics (formerly Invitae), Labcorp
Classification: Likely benign for Familial hypocalciuric hypercalcemia; Autosomal dominant hypocalcemia 1. Last evaluated: 2025-11-13. Review status: criteria provided, single submitter. Criteria: Invitae Variant Classification Sherloc (09022015). Collection method: clinical testing. Allele origin: germline.

Fulgent Genetics
Classification: Uncertain significance for Familial hypocalciuric hypercalcemia 1; Neonatal severe primary hyperparathyroidism; Autosomal dominant hypocalcemia 1; Epilepsy, idiopathic generalized, susceptibility to, 8. Last evaluated: 2024-01-29. Review status: criteria provided, single submitter. Criteria: ACMG Guidelines, 2015. Collection method: clinical testing. Allele origin: germline.

Ambry Genetics
Classification: Uncertain significance for Nephrolithiasis/nephrocalcinosis. Last evaluated: 2023-12-08. Review status: criteria provided, single submitter. Criteria: Ambry Variant Classification Scheme 2023. Collection method: clinical testing. Allele origin: germline.
Comment: The p.R25Q variant (also known as c.74G>A), located in coding exon 1 of the CASR gene, results from a G to A substitution at nucleotide position 74. The arginine at codon 25 is replaced by glutamine, an amino acid with highly similar properties. This amino acid position is highly conserved in available vertebrate species. In addition, this alteration is predicted to be deleterious by in silico analysis. Since supporting evidence is limited at this time, the clinical significance of this alteration remains unclear.

GeneDx
Classification: Uncertain significance. Last evaluated: 2019-12-16. Review status: criteria provided, single submitter. Criteria: GeneDx Variant Classification Process June 2021. Collection method: clinical testing. Allele origin: germline. Affected: yes.
Comment: In silico analysis, which includes protein predictors and evolutionary conservation, supports that this variant does not alter protein structure/function; Has not been previously published as pathogenic or benign to our knowledge